The following is an entry in ClinVar:

NM_001164508.2(NEB):c.21384_21388dup (p.Ala7130fs)

Genes: NEB (nebulin; minus strand), RIF1 (replication timing regulatory factor 1; plus strand). Cytogenetic location: 2q23.3.
Variant type: Duplication.
Coding change: c.21384_21388dup on transcript NM_001164508.2 (MANE Select); coding-DNA positions 21384 to 21388, 5 bases duplicated (GACTG; older notation c.21384_21388dupGACTG).
Protein change: p.Ala7130fs; shifts the reading frame from alanine 7130.
Molecular consequence: frameshift variant. On other transcripts: intron variant (2).
Genome position (GRCh38, 1-based): chr2:151,533,471-151,533,475, CAGTC duplicated on the plus strand (GACTG on the coding strand, the reverse complement: NEB is on the minus strand). VCF-style (leftmost placement, unchanged base first): chr2-151533470-G-GCAGTC. GRCh37 (hg19) VCF-style: chr2-152389984-G-GCAGTC.
Other names: NM_001164508.2:c.21384_21388dup; c.21489_21493dup, p.Ala7165fs (NM_001271208.2); c.16314+740_16314+744dup (NM_004543.5); c.21417+740_21417+744dup (NM_001164507.2); short protein forms A7130fs, A7165fs.
Identifiers: ClinVar variation 3776967 (VCV003776967.1).
Genomic context (GRCh38, chr2:151,533,470, plus strand): 5'-AACCTCCTTCTTCACATCCCATCAGACATTACCTGGCTCCACATATGCGAATTGTAGAGA[G>GCAGTC]CAGTCAACATATCTGGACGCAGAATTTCATTACATCCATGTTGCAGAAACATCTTGGCAC-3'

ClinVar aggregate classification (germline): Pathogenic (1 of 4 stars; one submission).

Conditions:
Nemaline myopathy. Also called: Myopathies, Nemaline. Identifiers: Orphanet 607, MedGen C0206157, MONDO:0018958.

Submission:

Broad Center for Mendelian Genomics, Broad Institute of MIT and Harvard
Classification: Pathogenic for Nemaline myopathy. Last evaluated: 2025-03-04. Review status: criteria provided, single submitter. Criteria: ACMG Guidelines, 2015. Collection method: curation. Allele origin: germline. Inheritance: Autosomal recessive inheritance.
Comment: The p.Ala7130GlyfsTer84 variant in NEB has been reported, in the compound heterozygous state, in 2 affected siblings with nemaline myopathy (PMID: 30859559), and has been identified in 0.0002% (2/1146560) of European (non-Finnish) chromosomes by the Genome Aggregation Database (gnomAD). Although this variant has been seen in the general population in a heterozygous state, its frequency is low enough to be consistent with a recessive carrier frequency. This variant is predicted to cause a frameshift, which alters the protein‚Äôs amino acid sequence beginning at position 7130 and leads to a premature termination codon 84 amino acids downstream. This alteration is then predicted to lead to a truncated or absent protein. Loss of function of the NEB gene is an established disease mechanism in autosomal recessive nemaline myopathy. In summary, this variant meets criteria to be classified as pathogenic for autosomal recessive nemaline myopathy. ACMG/AMP Criteria applied: PVS1, PM3, PM2_supporting (Richards 2015).